The following is an entry in ClinVar:

ClinVar aggregate classification (germline): Uncertain significance (1 of 4 stars; one submission).

Conditions:
Familial thoracic aortic aneurysm and aortic dissection (TAAD). Also called: Thoracic aortic aneurysms and dissections. Identifiers: Orphanet 91387, MedGen C4707243, MONDO:0019625.

Submission:

Ambry Genetics
Classification: Uncertain significance for Familial thoracic aortic aneurysm and aortic dissection. Last evaluated: 2026-08-29. Review status: criteria provided, single submitter. Criteria: Ambry Variant Classification Scheme 2023. Collection method: clinical testing. Allele origin: germline.
Comment: The p.V347L variant (also known as c.1039G>T), located in coding exon 10 of the PLOD1 gene, results from a G to T substitution at nucleotide position 1039. The valine at codon 347 is replaced by leucine, an amino acid with highly similar properties. This amino acid position is conserved. In addition, the in silico prediction for this alteration is inconclusive. Based on the available evidence, the clinical significance of this variant remains unclear.

NM_000302.4(PLOD1):c.1039G>T (p.Val347Leu)

Gene: PLOD1 (procollagen-lysine,2-oxoglutarate 5-dioxygenase 1; plus strand). Cytogenetic location: 1p36.22.
Variant type: single nucleotide variant.
Coding change: c.1039G>T on transcript NM_000302.4 (MANE Select); coding-DNA position 1039, G replaced by T.
Protein change: p.Val347Leu; replaces valine 347 with leucine.
Molecular consequence: missense variant.
Genome position (GRCh38, 1-based): chr1:11,960,709, G>T. VCF-style: chr1-11960709-G-T. GRCh37 (hg19) VCF-style: chr1-12020766-G-T.
Other names: c.1180G>T, p.Val394Leu (NM_001316320.2); short protein forms V347L, V394L.
Identifiers: ClinVar variation 5026845 (VCV005026845.1).